The following is an entry in ClinVar:

NM_004385.5(VCAN):c.6431C>T (p.Thr2144Ile)

Genes: VCAN (versican; plus strand), VCAN-AS1 (VCAN antisense RNA 1; minus strand). Cytogenetic location: 5q14.3.
Variant type: single nucleotide variant.
Coding change: c.6431C>T on transcript NM_004385.5 (MANE Select); coding-DNA position 6431, C replaced by T.
Protein change: p.Thr2144Ile; replaces threonine 2144 with isoleucine.
Molecular consequence: missense variant. On other transcripts: intron variant (2).
Genome position (GRCh38, 1-based): chr5:83,539,434, C>T. VCF-style: chr5-83539434-C-T. GRCh37 (hg19) VCF-style: chr5-82835253-C-T.
Other names: c.4004-6103C>T (NM_001164098.2); c.1043-6103C>T (NM_001126336.3); c.3470C>T, p.Thr1157Ile (NM_001164097.2); short protein forms T1157I, T2144I.
Identifiers: ClinVar variation 2753881 (VCV002753881.3), dbSNP rs1262639975, ClinGen allele CA360312548.
Genomic context (GRCh38, chr5:83,539,434, plus strand): 5'-AGTCATTTGAATCCCCTCAAAACTCTCCTGCAACAGAACAAACAATCTTTGATTCACAGA[C>T]ATTTACTGAAACTGAACTCAAAACCACAGATTATTCTGTACTAACAACAAAGAAAACTTA-3'
Protein context (NP_004376.2, residues 2134-2154): ATEQTIFDSQ[Thr2144Ile]FTETELKTTD

ClinVar aggregate classification (germline): Uncertain significance (1 of 4 stars; one submission).

Allele frequency attached by ClinVar (database versions not stated): gnomAD exomes below 0.00001.
gnomAD v4.1: 1 of 1,613,580 alleles (0.000062%); highest among the groups gnomAD compares: Non-Finnish European, 0.000085%; no homozygotes.

Submission:

Labcorp Genetics (formerly Invitae), Labcorp
Classification: Uncertain significance. Last evaluated: 2023-08-18. Review status: criteria provided, single submitter. Criteria: Invitae Variant Classification Sherloc (09022015). Collection method: clinical testing. Allele origin: germline.
Comment: This variant has not been reported in the literature in individuals affected with VCAN-related conditions. This variant is present in population databases (no rsID available, gnomAD 0.0009%). This sequence change replaces threonine, which is neutral and polar, with isoleucine, which is neutral and non-polar, at codon 2144 of the VCAN protein (p.Thr2144Ile). Algorithms developed to predict the effect of missense changes on protein structure and function output the following: SIFT: "Not Available"; PolyPhen-2: "Benign"; Align-GVGD: "Not Available". The isoleucine amino acid residue is found in multiple mammalian species, which suggests that this missense change does not adversely affect protein function. In summary, the available evidence is currently insufficient to determine the role of this variant in disease. Therefore, it has been classified as a Variant of Uncertain Significance.